The following is an entry in ClinVar:

ClinVar aggregate classification (germline): Uncertain significance. Review status: criteria provided, multiple submitters, no conflicts (2 of 4 stars). 3 submissions from 3 submitters: Uncertain significance (3). Last evaluated 2024-10-24.

Allele frequency attached by ClinVar (database versions not stated): ExAC 0.00001; gnomAD 0.00001; gnomAD exomes 0.00001 and 0.00002; TOPMed 0.00001.
gnomAD v4.1: 12 of 1,614,052 alleles (0.00074%); highest among the groups gnomAD compares: Middle Eastern, 0.016%; no homozygotes.

Submissions (3):

Labcorp Genetics (formerly Invitae), Labcorp
Classification: Uncertain significance. Last evaluated: 2024-10-24. Review status: criteria provided, single submitter. Criteria: Invitae Variant Classification Sherloc (09022015). Collection method: clinical testing. Allele origin: germline.
Comment: This sequence change replaces valine, which is neutral and non-polar, with isoleucine, which is neutral and non-polar, at codon 1107 of the CACNA1D protein (p.Val1107Ile). This variant is present in population databases (rs768995869, gnomAD 0.003%). This variant has not been reported in the literature in individuals affected with CACNA1D-related conditions. ClinVar contains an entry for this variant (Variation ID: 1701460). Invitae Evidence Modeling of protein sequence and biophysical properties (such as structural, functional, and spatial information, amino acid conservation, physicochemical variation, residue mobility, and thermodynamic stability) indicates that this missense variant is not expected to disrupt CACNA1D protein function with a negative predictive value of 80%. In summary, the available evidence is currently insufficient to determine the role of this variant in disease. Therefore, it has been classified as a Variant of Uncertain Significance.

CeGaT Center for Human Genetics Tuebingen
Classification: Uncertain significance. Last evaluated: 2022-07-01. Review status: criteria provided, single submitter. Criteria: CeGaT Center For Human Genetics Tuebingen Variant Classification Criteria Version 2. Collection method: clinical testing. Allele origin: germline. Affected: yes. Observed: 1 variant allele.
Comment: CACNA1D: PM2

Blueprint Genetics
Classification: Uncertain significance. Last evaluated: 2017-09-24. Review status: criteria provided, single submitter. Criteria: ACMG Guidelines, 2015. Collection method: clinical testing. Allele origin: germline.

NM_001128840.3(CACNA1D):c.3259G>A (p.Val1087Ile)

Gene: CACNA1D (calcium voltage-gated channel subunit alpha1 D; plus strand). Cytogenetic location: 3p21.1.
Variant type: single nucleotide variant.
Coding change: c.3259G>A on transcript NM_001128840.3 (MANE Select); coding-DNA position 3259, G replaced by A.
Protein change: p.Val1087Ile; replaces valine 1087 with isoleucine.
Molecular consequence: missense variant.
Genome position (GRCh38, 1-based): chr3:53,747,393, G>A. VCF-style: chr3-53747393-G-A. GRCh37 (hg19) VCF-style: chr3-53781420-G-A.
Other names: c.3319G>A, p.Val1107Ile (NM_000720.4); c.3259G>A, p.Val1087Ile (NM_001128839.3); short protein forms V1087I, V1107I.
Identifiers: ClinVar variation 1701460 (VCV001701460.36), dbSNP rs768995869, ClinGen allele CA2454507.